The following is an entry in ClinVar:

ClinVar aggregate classification (germline): Uncertain significance (1 of 4 stars; one submission).

Allele frequency attached by ClinVar (database versions not stated): TOPMed below 0.00001; gnomAD exomes 0.00004; ExAC 0.00007.
gnomAD v4.1: 21 of 1,613,986 alleles (0.0013%); highest among the groups gnomAD compares: Non-Finnish European, 0.0017%; no homozygotes.

Submission:

Labcorp Genetics (formerly Invitae), Labcorp
Classification: Uncertain significance. Last evaluated: 2023-08-10. Review status: criteria provided, single submitter. Criteria: Invitae Variant Classification Sherloc (09022015). Collection method: clinical testing. Allele origin: germline.
Comment: This sequence change replaces glutamic acid, which is acidic and polar, with glutamine, which is neutral and polar, at codon 2621 of the VCAN protein (p.Glu2621Gln). This variant is present in population databases (rs757814304, gnomAD 0.01%). This variant has not been reported in the literature in individuals affected with VCAN-related conditions. ClinVar contains an entry for this variant (Variation ID: 1428535). An algorithm developed to predict the effect of missense changes on protein structure and function (PolyPhen-2) suggests that this variant is likely to be tolerated. In summary, the available evidence is currently insufficient to determine the role of this variant in disease. Therefore, it has been classified as a Variant of Uncertain Significance.

NM_004385.5(VCAN):c.7861G>C (p.Glu2621Gln)

Genes: VCAN (versican; plus strand), VCAN-AS1 (VCAN antisense RNA 1; minus strand). Cytogenetic location: 5q14.3.
Variant type: single nucleotide variant.
Coding change: c.7861G>C on transcript NM_004385.5 (MANE Select); coding-DNA position 7861, G replaced by C.
Protein change: p.Glu2621Gln; replaces glutamic acid 2621 with glutamine.
Molecular consequence: missense variant. On other transcripts: intron variant (2).
Genome position (GRCh38, 1-based): chr5:83,540,864, G>C. VCF-style: chr5-83540864-G-C. GRCh37 (hg19) VCF-style: chr5-82836683-G-C.
Other names: c.4900G>C, p.Glu1634Gln (NM_001164097.2); c.4004-4673G>C (NM_001164098.2); c.1043-4673G>C (NM_001126336.3); short protein forms E1634Q, E2621Q.
Identifiers: ClinVar variation 1428535 (VCV001428535.6), dbSNP rs757814304, ClinGen allele CA3333700.